The following is an entry in ClinVar:

NM_000642.3(AGL):c.460+293G>A

Gene: AGL (amylo-alpha-1,6-glucosidase and 4-alpha-glucanotransferase; plus strand). Cytogenetic location: 1p21.2.
Variant type: single nucleotide variant.
Coding change: c.460+293G>A on transcript NM_000642.3 (MANE Select); 293 bases into the intron after coding-DNA position 460, G replaced by A.
Molecular consequence: intron variant.
Genome position (GRCh38, 1-based): chr1:99,862,716, G>A. VCF-style: chr1-99862716-G-A. GRCh37 (hg19) VCF-style: chr1-100328272-G-A.
Other names: c.460+293G>A (NM_000643.3, NM_000644.3, NM_001425326.1 and 5 more transcripts); c.412+293G>A (NM_000646.3); c.83-1670G>A (NM_001425332.1).
Identifiers: ClinVar variation 682710 (VCV000682710.1), dbSNP rs687979, ClinGen allele CA15088611.

ClinVar aggregate classification (germline): Benign (1 of 4 stars; one submission).

Allele frequency attached by ClinVar (database versions not stated): gnomAD 0.75905 and 0.76236; 1000 Genomes Project 0.76258; TOPMed 0.76615; 1000 Genomes Project 30x 0.76624.
gnomAD v4.1: 115,290 of 151,940 alleles (76%); highest among the groups gnomAD compares: African/African-American, 91%; 44,433 homozygotes.

Submission:

GeneDx
Classification: Benign. Last evaluated: 2018-06-14. Review status: criteria provided, single submitter. Criteria: GeneDx Variant Classification (06012015). Collection method: clinical testing. Allele origin: germline. Affected: yes.
Comment: This variant is considered likely benign or benign based on one or more of the following criteria: it is a conservative change, it occurs at a poorly conserved position in the protein, it is predicted to be benign by multiple in silico algorithms, and/or has population frequency not consistent with disease.